The following is an entry in ClinVar:

ClinVar aggregate classification (germline): Uncertain significance (1 of 4 stars; one submission).

Conditions:
Developmental and epileptic encephalopathy, 36 (DEE36). Also called: Congenital disorder of glycosylation, type Is; ALG13-CDG; Epileptic encephalopathy, early infantile, 36. Identifiers: Orphanet 324422, MedGen C4317295, MONDO:0010472, OMIM 300884.

gnomAD v4.1: 12 of 1,208,790 alleles (0.00099%); highest among the groups gnomAD compares: East Asian, 0.003%; no homozygotes.

Submission:

Labcorp Genetics (formerly Invitae), Labcorp
Classification: Uncertain significance for Developmental and epileptic encephalopathy, 36. Last evaluated: 2024-07-19. Review status: criteria provided, single submitter. Criteria: Invitae Variant Classification Sherloc (09022015). Collection method: clinical testing. Allele origin: germline.
Comment: This sequence change replaces arginine, which is basic and polar, with glutamine, which is neutral and polar, at codon 594 of the ALG13 protein (p.Arg594Gln). This variant is present in population databases (rs374660036, gnomAD 0.008%), including at least one homozygous and/or hemizygous individual. This variant has not been reported in the literature in individuals affected with ALG13-related conditions. Advanced modeling of protein sequence and biophysical properties (such as structural, functional, and spatial information, amino acid conservation, physicochemical variation, residue mobility, and thermodynamic stability) performed at Invitae indicates that this missense variant is not expected to disrupt ALG13 protein function with a negative predictive value of 80%. In summary, the available evidence is currently insufficient to determine the role of this variant in disease. Therefore, it has been classified as a Variant of Uncertain Significance.

NM_001099922.3(ALG13):c.1781G>A (p.Arg594Gln)

Gene: ALG13 (ALG13 UDP-N-acetylglucosaminyltransferase subunit; plus strand). Cytogenetic location: Xq23.
Variant type: single nucleotide variant.
Coding change: c.1781G>A on transcript NM_001099922.3 (MANE Select); coding-DNA position 1781, G replaced by A.
Protein change: p.Arg594Gln; replaces arginine 594 with glutamine.
Molecular consequence: missense variant. On other transcripts: non-coding transcript variant (1).
Genome position (GRCh38, 1-based): chrX:111,726,860, G>A. VCF-style: chrX-111726860-G-A. GRCh37 (hg19) VCF-style: chrX-110970088-G-A.
Other names: c.1469G>A, p.Arg490Gln (NM_001257230.2, NM_001257234.2, NM_001257237.2); c.1547G>A, p.Arg516Gln (NM_001257231.2); c.1781G>A, p.Arg594Gln (NM_001324292.2); c.1295G>A, p.Arg432Gln (NM_001324293.1); short protein forms R490Q, R432Q, R516Q, R594Q.
Identifiers: ClinVar variation 3713102 (VCV003713102.2).
Genomic context (GRCh38, chrX:111,726,860, plus strand): 5'-GCCTGAAAGTTATATCAGAGATGGACATAAAGCAACAGAAGAAGATGTTCAAGAAAATTC[G>A]AGGGAAAGAAGTTTACATGACTATGGCTTACGGCAAGGGAGACCCCCTCCTCCCACCCAG-3'
Protein context (NP_001093392.1, residues 584-604): KQQKKMFKKI[Arg594Gln]GKEVYMTMAY